The following is an entry in ClinVar:

ClinVar aggregate classification (germline): Uncertain significance. Review status: criteria provided, multiple submitters, no conflicts (2 of 4 stars). 3 submissions from 3 submitters: Uncertain significance (3). Last evaluated 2025-11-18.

Conditions:
Neuroblastoma, susceptibility to, 3. Also called: ALK-Related Neuroblastic Tumor Susceptibility. Identifiers: Orphanet 635, MedGen C2751681, MONDO:0013083, OMIM 613014.
Hereditary cancer-predisposing syndrome. Also called: Hereditary neoplastic syndrome; Neoplastic Syndromes, Hereditary; Hereditary Cancer Syndrome; Tumor predisposition. Identifiers: Orphanet 140162, MedGen C0027672, MeSH D009386, MONDO:0015356.

gnomAD v4.1: 4 of 1,614,148 alleles (0.00025%); highest among the groups gnomAD compares: Admixed American, 0.005%; no homozygotes.

Submissions (3):

Labcorp Genetics (formerly Invitae), Labcorp
Classification: Uncertain significance for Neuroblastoma, susceptibility to, 3. Last evaluated: 2025-11-18. Review status: criteria provided, single submitter. Criteria: Invitae Variant Classification Sherloc (09022015). Collection method: clinical testing. Allele origin: germline.
Comment: This sequence change replaces histidine, which is basic and polar, with glutamine, which is neutral and polar, at codon 1475 of the ALK protein (p.His1475Gln). This variant is present in population databases (no rsID available, gnomAD 0.007%). This variant has not been reported in the literature in individuals affected with ALK-related conditions. ClinVar contains an entry for this variant (Variation ID: 569434). An algorithm developed to predict the effect of missense changes on protein structure and function (PolyPhen-2) suggests that this variant is likely to be disruptive. In summary, the available evidence is currently insufficient to determine the role of this variant in disease. Therefore, it has been classified as a Variant of Uncertain Significance.

Ambry Genetics
Classification: Uncertain significance for Hereditary cancer-predisposing syndrome. Last evaluated: 2024-05-24. Review status: criteria provided, single submitter. Criteria: Ambry Variant Classification Scheme 2023. Collection method: clinical testing. Allele origin: germline.
Comment: The p.H1475Q variant (also known as c.4425C>A), located in coding exon 29 of the ALK gene, results from a C to A substitution at nucleotide position 4425. The histidine at codon 1475 is replaced by glutamine, an amino acid with highly similar properties. This amino acid position is conserved. In addition, this alteration is predicted to be tolerated by in silico analysis. Since supporting evidence is limited at this time, the clinical significance of this alteration remains unclear.

Baylor Genetics
Classification: Uncertain significance for Neuroblastoma, susceptibility to, 3. Last evaluated: 2023-11-15. Review status: criteria provided, single submitter. Criteria: ACMG Guidelines, 2015. Collection method: clinical testing. Allele origin: unknown.

NM_004304.5(ALK):c.4425C>A (p.His1475Gln)

Gene: ALK (ALK receptor tyrosine kinase; minus strand). Cytogenetic location: 2p23.2.
Variant type: single nucleotide variant.
Coding change: c.4425C>A on transcript NM_004304.5 (MANE Select); coding-DNA position 4425, C replaced by A.
Protein change: p.His1475Gln; replaces histidine 1475 with glutamine.
Molecular consequence: missense variant.
Genome position (GRCh38, 1-based): chr2:29,193,662, G>T on the plus strand (C>A on the coding strand, the complement: ALK is on the minus strand). VCF-style: chr2-29193662-G-T. GRCh37 (hg19) VCF-style: chr2-29416528-G-T.
Other names: c.1221C>A, p.His407Gln (NM_001353765.2); short protein forms H1475Q, H407Q.
Identifiers: ClinVar variation 569434 (VCV000569434.13), dbSNP rs139039449, ClinGen allele CA346462141.